The following is an entry in ClinVar:

ClinVar aggregate classification (germline): Uncertain significance (0 of 4 stars; one submission).

Conditions:
BPTF-related disorder. Also called: BPTF-related condition.

Submission:

PreventionGenetics, part of Exact Sciences
Classification: Uncertain significance for BPTF-related condition. Last evaluated: 2023-12-14. Review status: no assertion criteria provided. Collection method: clinical testing. Allele origin: germline.
Comment: The BPTF c.3673_3674delinsAC variant is predicted to result in an in-frame deletion and insertion. To our knowledge, this variant has not been reported in the literature or in a large population database, indicating this variant is rare. At this time, the clinical significance of this variant is uncertain due to the absence of conclusive functional and genetic evidence.

NM_182641.4(BPTF):c.3673_3674delinsAC (p.Asp1225Thr)

Gene: BPTF (bromodomain PHD finger transcription factor; plus strand). Cytogenetic location: 17q24.2.
Variant type: Indel.
Coding change: c.3673_3674delinsAC on transcript NM_182641.4 (MANE Select); coding-DNA positions 3673 to 3674, GA replaced by AC.
Protein change: p.Asp1225Thr; replaces aspartic acid 1225 with threonine.
Molecular consequence: missense variant.
Genome position (GRCh38, 1-based): chr17:67,911,557-67,911,558, GA replaced by AC. VCF-style: chr17-67911557-GA-AC. GRCh37 (hg19) VCF-style: chr17-65907673-GA-AC.
Other names: c.4051_4052delinsAC, p.Asp1351Thr (NM_004459.7); short protein forms D1225T, D1351T.
Identifiers: ClinVar variation 3040280 (VCV003040280.2), dbSNP rs2511465618, ClinGen allele CA2740093906.
Genomic context (GRCh38, chr17:67,911,557, plus strand): 5'-AAGAGTAAAACAAAAGGAAATGATTTTTTCATCGATGACTCTAAACTAGCCAGTGCAGAT[GA>AC]TATTGGTACTTTGATCTGTAAGAACAAAAAACCGCTCATACAGGAGGAAAGTGACACCAT-3'
Protein context (NP_872579.2, residues 1215-1235): IDDSKLASAD[Asp1225Thr]IGTLICKNKK